The following is an entry in ClinVar:

ClinVar aggregate classification (germline): Conflicting classifications of pathogenicity. Review status: criteria provided, conflicting classifications (1 of 4 stars). 3 submissions from 3 submitters: Uncertain significance (2); Likely benign (1). Last evaluated 2026-07-01.

Conditions:
Inborn genetic diseases. Identifiers: MedGen C0950123, MeSH D030342.
Short-rib thoracic dysplasia 11 with or without polydactyly (SRTD11). Also called: SHORT-RIB THORACIC DYSPLASIA 11 WITHOUT POLYDACTYLY. Identifiers: Orphanet 474, Orphanet 93271, MedGen C3810200, MONDO:0014287, OMIM 615633.

Allele frequency attached by ClinVar (database versions not stated): TOPMed 0.00003; ExAC 0.00007; ESP Exome Variant Server 0.00008.
gnomAD v4.1: 52 of 1,613,380 alleles (0.0032%); highest among the groups gnomAD compares: East Asian, 0.0045%; no homozygotes.

Submissions (3):

CeGaT Center for Human Genetics Tuebingen
Classification: Likely benign. Last evaluated: 2026-07-01. Review status: criteria provided, single submitter. Criteria: CeGaT Center For Human Genetics Tuebingen Variant Classification Criteria Version 2. Collection method: clinical testing. Allele origin: germline. Affected: yes. Observed: 1 variant allele.
Comment: DYNC2I2: BP4

Labcorp Genetics (formerly Invitae), Labcorp
Classification: Uncertain significance for Short-rib thoracic dysplasia 11 with or without polydactyly. Last evaluated: 2022-08-31. Review status: criteria provided, single submitter. Criteria: Invitae Variant Classification Sherloc (09022015). Collection method: clinical testing. Allele origin: germline.
Comment: This variant is present in population databases (rs373253932, gnomAD 0.01%). This sequence change replaces glycine, which is neutral and non-polar, with arginine, which is basic and polar, at codon 302 of the WDR34 protein (p.Gly302Arg). This variant has not been reported in the literature in individuals affected with WDR34-related conditions. In summary, the available evidence is currently insufficient to determine the role of this variant in disease. Therefore, it has been classified as a Variant of Uncertain Significance. Algorithms developed to predict the effect of missense changes on protein structure and function (SIFT, PolyPhen-2, Align-GVGD) all suggest that this variant is likely to be tolerated. ClinVar contains an entry for this variant (Variation ID: 1681219).

Ambry Genetics
Classification: Uncertain significance for Inborn genetic diseases. Last evaluated: 2022-05-16. Review status: criteria provided, single submitter. Criteria: Ambry Variant Classification Scheme 2023. Collection method: clinical testing. Allele origin: germline.

NM_052844.4(DYNC2I2):c.904G>A (p.Gly302Arg)

Genes: DYNC2I2 (dynein 2 intermediate chain 2; minus strand), LOC126860772 (CDK7 strongly-dependent group 2 enhancer GRCh37_chr9:131396972-131398171; plus strand). Cytogenetic location: 9q34.11.
Variant type: single nucleotide variant.
Coding change: c.904G>A on transcript NM_052844.4 (MANE Select); coding-DNA position 904, G replaced by A.
Protein change: p.Gly302Arg; replaces glycine 302 with arginine.
Molecular consequence: missense variant.
Genome position (GRCh38, 1-based): chr9:128,635,169, C>T on the plus strand (G>A on the coding strand, the complement: DYNC2I2 is on the minus strand). VCF-style: chr9-128635169-C-T. GRCh37 (hg19) VCF-style: chr9-131397448-C-T.
Other names: c.904G>A (NM_052844.3); short protein forms G302R.
Identifiers: ClinVar variation 1681219 (VCV001681219.6), dbSNP rs373253932, ClinGen allele CA5266419.